The following is an entry in ClinVar:

NM_001009944.3(PKD1):c.9228C>T (p.Ile3076=)

Gene: PKD1 (polycystin 1, transient receptor potential channel interacting; minus strand). Cytogenetic location: 16p13.3.
Variant type: single nucleotide variant.
Coding change: c.9228C>T on transcript NM_001009944.3 (MANE Select); coding-DNA position 9228, C replaced by T.
Protein change: p.Ile3076=; no amino-acid change (isoleucine 3076 retained).
Molecular consequence: synonymous variant.
Genome position (GRCh38, 1-based): chr16:2,102,230, G>A on the plus strand (C>T on the coding strand, the complement: PKD1 is on the minus strand). VCF-style: chr16-2102230-G-A. GRCh37 (hg19) VCF-style: chr16-2152231-G-A.
Other names: c.9228C>T, p.Ile3076= (NM_000296.4).
Identifiers: ClinVar variation 805192 (VCV000805192.9), dbSNP rs532264532, ClinGen allele CA7830155.

ClinVar aggregate classification (germline): Likely benign. Review status: criteria provided, multiple submitters, no conflicts (2 of 4 stars). 3 submissions from 3 submitters: Likely benign (3). Last evaluated 2025-09-01.

Allele frequency attached by ClinVar (database versions not stated): gnomAD exomes 0.00002; TOPMed 0.00003; gnomAD 0.00004; ExAC 0.00008; 1000 Genomes Project 0.00020; 1000 Genomes Project 30x 0.00031.
gnomAD v4.1: 35 of 1,527,224 alleles (0.0023%); highest among the groups gnomAD compares: Middle Eastern, 0.047%; no homozygotes.

Submissions (3):

CeGaT Center for Human Genetics Tuebingen
Classification: Likely benign. Last evaluated: 2025-09-01. Review status: criteria provided, single submitter. Criteria: CeGaT Center For Human Genetics Tuebingen Variant Classification Criteria Version 2. Collection method: clinical testing. Allele origin: germline. Affected: yes. Observed: 1 variant allele.
Comment: PKD1: BP4, BP7

Athena Diagnostics
Classification: Likely benign. Last evaluated: 2019-02-14. Review status: criteria provided, single submitter. Criteria: Athena Diagnostics Criteria. Collection method: clinical testing. Allele origin: germline.

Breakthrough Genomics
Classification: Likely benign. Review status: criteria provided, single submitter. Criteria: ACMG Guidelines, 2015. Collection method: not provided. Allele origin: germline. Inheritance: Autosomal dominant inheritance. Affected: yes.